The following is an entry in ClinVar:

ClinVar aggregate classification (germline): Likely benign (0 of 4 stars; one submission).

Conditions:
COL6A2-related disorder.

gnomAD v4.1: 3 of 1,482,370 alleles (0.0002%); highest among the groups gnomAD compares: African/African-American, 0.0041%; no homozygotes.

Submission:

PreventionGenetics, part of Exact Sciences
Classification: Likely benign for COL6A2-related condition. Last evaluated: 2024-06-12. Review status: no assertion criteria provided. Collection method: clinical testing. Allele origin: germline.
Comment: This variant is classified as likely benign based on ACMG/AMP sequence variant interpretation guidelines (Richards et al. 2015 PMID: 25741868, with internal and published modifications).

NC_000021.9:g.46136371G>A

Genes: COL6A2 (collagen type VI alpha 2 chain; plus strand), FTCD (formimidoyltransferase cyclodeaminase; minus strand). Cytogenetic location: 21q22.3.
Variant type: single nucleotide variant.
Molecular consequence: 3 prime UTR variant (on NM_001320412.2).
Genome position: GRCh38 VCF-style: chr21-46136371-G-A. GRCh37 (hg19) VCF-style: chr21-47556285-G-A.
Other names: c.*83C>T (NM_001320412.2); c.*126C>T (NM_006657.3).
Identifiers: ClinVar variation 3344312 (VCV003344312.1).
Genomic context (GRCh38, chr21:46,136,371, plus strand): 5'-CTGGCTGGGCAGGGAGCTGAGGCAGGGAGGAAAAGTCTCCCAGGAGCCACTGGTTGAAGG[G>A]TGGACGGGAACTGAGGACAGGGCCAGTACCGTGCTCTGTGGAACTGTCCAGACCTGCCGG-3'